The following is an entry in ClinVar:

ClinVar aggregate classification (germline): Likely benign (0 of 4 stars; one submission).

Conditions:
PI4KA-related disorder. Also called: PI4KA-related disorders; PI4KA-related condition. Identifiers: MedGen CN378147, MONDO:1040012.

Allele frequency attached by ClinVar (database versions not stated): ExAC 0.00001; gnomAD 0.00002; TOPMed 0.00003; gnomAD exomes below 0.00001.
gnomAD v4.1: 8 of 1,610,562 alleles (0.0005%); highest among the groups gnomAD compares: African/African-American, 0.011%; no homozygotes.

Submission:

PreventionGenetics, part of Exact Sciences
Classification: Likely benign for PI4KA-related condition. Last evaluated: 2019-06-04. Review status: no assertion criteria provided. Collection method: clinical testing. Allele origin: germline.
Comment: This variant is classified as likely benign based on ACMG/AMP sequence variant interpretation guidelines (Richards et al. 2015 PMID: 25741868, with internal and published modifications).

NM_058004.4(PI4KA):c.4773+6G>A

Gene: PI4KA (phosphatidylinositol 4-kinase alpha; minus strand). Cytogenetic location: 22q11.21.
Variant type: single nucleotide variant.
Coding change: c.4773+6G>A on transcript NM_058004.4 (MANE Select); 6 bases into the intron after coding-DNA position 4773, G replaced by A.
Molecular consequence: intron variant.
Genome position (GRCh38, 1-based): chr22:20,727,768, C>T on the plus strand (G>A on the coding strand, the complement: PI4KA is on the minus strand). VCF-style: chr22-20727768-C-T. GRCh37 (hg19) VCF-style: chr22-21082056-C-T.
Other names: c.4707+6G>A (NM_001362863.2); c.4680+6G>A (NM_001362862.2).
Identifiers: ClinVar variation 3044166 (VCV003044166.2), dbSNP rs781385999, ClinGen allele CA10114967.